The following is an entry in ClinVar:

NM_005076.5(CNTN2):c.2285G>A (p.Arg762Gln)

Gene: CNTN2 (contactin 2; plus strand). Cytogenetic location: 1q32.1.
Variant type: single nucleotide variant.
Coding change: c.2285G>A on transcript NM_005076.5 (MANE Select); coding-DNA position 2285, G replaced by A.
Protein change: p.Arg762Gln; replaces arginine 762 with glutamine.
Molecular consequence: missense variant. On other transcripts: non-coding transcript variant (1).
Genome position (GRCh38, 1-based): chr1:205,069,915, G>A. VCF-style: chr1-205069915-G-A. GRCh37 (hg19) VCF-style: chr1-205039043-G-A.
Other names: c.2285G>A, p.Arg762Gln (NM_001346083.2); short protein forms R762Q.
Identifiers: ClinVar variation 2045202 (VCV002045202.1), dbSNP rs766016860, ClinGen allele CA1351655.

ClinVar aggregate classification (germline): Uncertain significance (1 of 4 stars; one submission).

Conditions:
Epilepsy, familial adult myoclonic, 5 (EPEO5). Also called: CORTICAL MYOCLONIC TREMOR WITH EPILEPSY, FAMILIAL, 5. Identifiers: Orphanet 86814, MedGen C3809374, MONDO:0014167, OMIM 615400.

Allele frequency attached by ClinVar (database versions not stated): ExAC 0.00001; gnomAD exomes 0.00001; gnomAD 0.00002; TOPMed 0.00003.
gnomAD v4.1: 12 of 1,613,694 alleles (0.00074%); highest among the groups gnomAD compares: Admixed American, 0.01%; no homozygotes.

Submission:

Labcorp Genetics (formerly Invitae), Labcorp
Classification: Uncertain significance for Epilepsy, familial adult myoclonic, 5. Last evaluated: 2022-08-09. Review status: criteria provided, single submitter. Criteria: Invitae Variant Classification Sherloc (09022015). Collection method: clinical testing. Allele origin: germline.
Comment: This sequence change replaces arginine, which is basic and polar, with glutamine, which is neutral and polar, at codon 762 of the CNTN2 protein (p.Arg762Gln). This variant is present in population databases (rs766016860, gnomAD 0.02%). This variant has not been reported in the literature in individuals affected with CNTN2-related conditions. Advanced modeling of protein sequence and biophysical properties (such as structural, functional, and spatial information, amino acid conservation, physicochemical variation, residue mobility, and thermodynamic stability) performed at Invitae indicates that this missense variant is not expected to disrupt CNTN2 protein function. In summary, the available evidence is currently insufficient to determine the role of this variant in disease. Therefore, it has been classified as a Variant of Uncertain Significance.